The following is an entry in ClinVar:

ClinVar aggregate classification (germline): Likely benign (0 of 4 stars; one submission).

Conditions:
DCC-related disorder. Also called: DCC-related condition.

Submission:

PreventionGenetics, part of Exact Sciences
Classification: Likely benign for DCC-related condition. Last evaluated: 2019-06-20. Review status: no assertion criteria provided. Collection method: clinical testing. Allele origin: germline.
Comment: This variant is classified as likely benign based on ACMG/AMP sequence variant interpretation guidelines (Richards et al. 2015 PMID: 25741868, with internal and published modifications).

NM_005215.4(DCC):c.2360-4C>T

Gene: DCC (DCC netrin 1 receptor; plus strand). Cytogenetic location: 18q21.2.
Variant type: single nucleotide variant.
Coding change: c.2360-4C>T on transcript NM_005215.4 (MANE Select); 4 bases into the intron before coding-DNA position 2360, C replaced by T.
Molecular consequence: intron variant.
Genome position (GRCh38, 1-based): chr18:53,386,039, C>T. VCF-style: chr18-53386039-C-T. GRCh37 (hg19) VCF-style: chr18-50912409-C-T.
Identifiers: ClinVar variation 3042798 (VCV003042798.2), dbSNP rs1412859287, ClinGen allele CA629948291.